The following is an entry in ClinVar:

ClinVar aggregate classification (germline): Uncertain significance (1 of 4 stars; one submission).

Conditions:
Fanconi anemia complementation group O. Also called: RAD51C-Related Fanconi Anemia. Identifiers: Orphanet 84, MedGen C3150653, MONDO:0013248, OMIM 613390.

Submission:

Labcorp Genetics (formerly Invitae), Labcorp
Classification: Uncertain significance for Fanconi anemia complementation group O. Last evaluated: 2022-08-23. Review status: criteria provided, single submitter. Criteria: Invitae Variant Classification Sherloc (09022015). Collection method: clinical testing. Allele origin: germline.
Comment: This sequence change replaces isoleucine, which is neutral and non-polar, with lysine, which is basic and polar, at codon 52 of the RAD51C protein (p.Ile52Lys). This variant is not present in population databases (gnomAD no frequency). This variant has not been reported in the literature in individuals affected with RAD51C-related conditions. Advanced modeling of protein sequence and biophysical properties (such as structural, functional, and spatial information, amino acid conservation, physicochemical variation, residue mobility, and thermodynamic stability) performed at Invitae indicates that this missense variant is expected to disrupt RAD51C protein function. In summary, the available evidence is currently insufficient to determine the role of this variant in disease. Therefore, it has been classified as a Variant of Uncertain Significance.

NM_058216.3(RAD51C):c.155T>A (p.Ile52Lys)

Gene: RAD51C (RAD51 paralog C; plus strand). Cytogenetic location: 17q22.
Variant type: single nucleotide variant.
Coding change: c.155T>A on transcript NM_058216.3 (MANE Select); coding-DNA position 155, T replaced by A.
Protein change: p.Ile52Lys; replaces isoleucine 52 with lysine.
Molecular consequence: missense variant. On other transcripts: non-coding transcript variant (2).
Genome position (GRCh38, 1-based): chr17:58,694,940, T>A. VCF-style: chr17-58694940-T-A. GRCh37 (hg19) VCF-style: chr17-56772301-T-A.
Other names: c.155T>A, p.Ile52Lys (NM_002876.4, NM_058217.1); short protein forms I52K.
Identifiers: ClinVar variation 1717849 (VCV001717849.5), dbSNP rs2143717510, ClinGen allele CA400339572.